The following is an entry in ClinVar:

NM_206933.4(USH2A):c.652-26660C>T

Gene: USH2A (usherin; minus strand). Cytogenetic location: 1q41.
Variant type: single nucleotide variant.
Coding change: c.652-26660C>T on transcript NM_206933.4 (MANE Select); 26660 bases into the intron before coding-DNA position 652, C replaced by T.
Molecular consequence: intron variant.
Genome position (GRCh38, 1-based): chr1:216,391,745, G>A on the plus strand (C>T on the coding strand, the complement: USH2A is on the minus strand). VCF-style: chr1-216391745-G-A. GRCh37 (hg19) VCF-style: chr1-216565087-G-A.
Other names: c.652-26660C>T (NM_007123.6).
Identifiers: ClinVar variation 3338152 (VCV003338152.1).

ClinVar aggregate classification (germline): Uncertain significance (0 of 4 stars; one submission).

Conditions:
Visual impairment. Also called: Impaired vision; vision problems. Identifiers: MedGen C3665347, HP:0000505.

gnomAD v4.1: 11 of 152,200 alleles (0.0072%); highest among the groups gnomAD compares: South Asian, 0.021%; no homozygotes.

Submission:

Joint Genome Diagnostic Labs from Nijmegen and Maastricht, Radboudumc and MUMC+
Classification: Uncertain significance for visual impairment. Review status: no assertion criteria provided. Collection method: clinical testing. Allele origin: germline. Affected: yes.